The following is an entry in ClinVar:

NM_152722.5(HEPACAM):c.863G>A (p.Arg288His)

Gene: HEPACAM (hepatic and glial cell adhesion molecule; minus strand). Cytogenetic location: 11q24.2.
Variant type: single nucleotide variant.
Coding change: c.863G>A on transcript NM_152722.5 (MANE Select); coding-DNA position 863, G replaced by A.
Protein change: p.Arg288His; replaces arginine 288 with histidine.
Molecular consequence: missense variant.
Genome position (GRCh38, 1-based): chr11:124,922,759, C>T on the plus strand (G>A on the coding strand, the complement: HEPACAM is on the minus strand). VCF-style: chr11-124922759-C-T. GRCh37 (hg19) VCF-style: chr11-124792655-C-T.
Other names: c.863G>A, p.Arg288His (NM_001411043.1); short protein forms R288H.
Identifiers: ClinVar variation 2637424 (VCV002637424.1), dbSNP rs181347307, ClinGen allele CA6345624.
Genomic context (GRCh38, chr11:124,922,759, plus strand): 5'-GATCTGATTGTTGATGGGATGGGTGATTGGGTGGCTGGGAGCTCACCTTCTGGTTTCAGG[C>T]GGTCATCATTCTGATCCATGTATTCCAGGGAGTTTTGCTTTTCTAGCTTCTTCTGTTTCC-3'
Protein context (NP_689935.2, residues 278-298): SLEYMDQNDD[Arg288His]LKPEADTLPR

ClinVar aggregate classification (germline): Uncertain significance (1 of 4 stars; one submission).

Allele frequency attached by ClinVar (database versions not stated): ExAC 0.00002; ESP Exome Variant Server 0.00008; TOPMed 0.00008; gnomAD 0.00009; 1000 Genomes Project 30x 0.00016; 1000 Genomes Project 0.00020.
gnomAD v4.1: 47 of 1,614,186 alleles (0.0029%); highest among the groups gnomAD compares: African/African-American, 0.019%; no homozygotes.

Submission:

Women's Health and Genetics/Laboratory Corporation of America, LabCorp
Classification: Uncertain significance. Last evaluated: 2023-10-23. Review status: criteria provided, single submitter. Criteria: LabCorp Variant Classification Summary - May 2015. Collection method: clinical testing. Allele origin: germline.
Comment: Variant summary: HEPACAM c.863G>A (p.Arg288His) results in a non-conservative amino acid change in the encoded protein sequence. Four of five in-silico tools predict a benign effect of the variant on protein function. The variant allele was found at a frequency of 2e-05 in 251490 control chromosomes (gnomAD). The available data on variant occurrences in the general population are insufficient to allow any conclusion about variant significance. To our knowledge, no occurrence of c.863G>A in individuals affected with Megalencephalic Leukoencephalopathy With Subcortical Cysts 2b, Remitting, With Or Without Mental Retardation and no experimental evidence demonstrating its impact on protein function have been reported. No submitters have cited clinical-significance assessments for this variant to ClinVar after 2014. Based on the evidence outlined above, the variant was classified as uncertain significance.